The following is an entry in ClinVar:

NM_000535.7(PMS2):c.460G>C (p.Gly154Arg)

Gene: PMS2 (PMS1 homolog 2, mismatch repair system component; minus strand). Cytogenetic location: 7p22.1.
Variant type: single nucleotide variant.
Coding change: c.460G>C on transcript NM_000535.7 (MANE Select); coding-DNA position 460, G replaced by C.
Protein change: p.Gly154Arg; replaces glycine 154 with arginine.
Molecular consequence: missense variant. On other transcripts: 5 prime UTR variant (2), non-coding transcript variant (1).
Genome position (GRCh38, 1-based): chr7:6,002,530, C>G on the plus strand (G>C on the coding strand, the complement: PMS2 is on the minus strand). VCF-style: chr7-6002530-C-G. GRCh37 (hg19) VCF-style: chr7-6042161-C-G.
Other names: c.55G>C, p.Gly19Arg (NM_001018040.1, NM_001322003.2, NM_001322004.2 and 25 more transcripts); c.460G>C, p.Gly154Arg (NM_001322006.2, NM_001322014.2, NM_001406869.1 and 8 more transcripts); c.142G>C, p.Gly48Arg (NM_001322007.2, NM_001322008.2, NM_001406876.1 and 4 more transcripts); c.-425G>C (NM_001322011.2, NM_001322012.2); c.151G>C, p.Gly51Arg (NM_001322015.2, NM_001406875.1, NM_001406877.1 and 6 more transcripts); c.646G>C, p.Gly216Arg (NM_001406866.1); c.484G>C, p.Gly162Arg (NM_001406868.1); short protein forms G19R, G216R, G51R, G154R, G48R, G162R.
Identifiers: ClinVar variation 1741883 (VCV001741883.2), dbSNP rs1583403079, ClinGen allele CA366744308.

ClinVar aggregate classification (germline): Uncertain significance (1 of 4 stars; one submission).

Conditions:
Hereditary cancer-predisposing syndrome. Also called: Hereditary Cancer Syndrome; Hereditary neoplastic syndrome; Neoplastic Syndromes, Hereditary; Tumor predisposition. Identifiers: Orphanet 140162, MedGen C0027672, MeSH D009386, MONDO:0015356.

Submission:

Ambry Genetics
Classification: Uncertain significance for Hereditary cancer-predisposing syndrome. Last evaluated: 2019-01-03. Review status: criteria provided, single submitter. Criteria: Ambry Variant Classification Scheme 2023. Collection method: clinical testing. Allele origin: germline.
Comment: The p.G154R variant (also known as c.460G>C), located in coding exon 5 of the PMS2 gene, results from a G to C substitution at nucleotide position 460. The glycine at codon 154 is replaced by arginine, an amino acid with dissimilar properties. This amino acid position is highly conserved in available vertebrate species. In addition, this alteration is predicted to be deleterious by in silico analysis. Since supporting evidence is limited at this time, the clinical significance of this alteration remains unclear.